The following is an entry in ClinVar:

ClinVar aggregate classification (germline): Uncertain significance (0 of 4 stars; one submission).

Conditions:
FGFR2-related disorder. Identifiers: MedGen CN380096.

Allele frequency attached by ClinVar (database versions not stated): ExAC 0.00001; TOPMed below 0.00001.
gnomAD v4.1: 48 of 1,614,170 alleles (0.003%); highest among the groups gnomAD compares: Non-Finnish European, 0.0036%; no homozygotes.

Submission:

PreventionGenetics, part of Exact Sciences
Classification: Uncertain significance for FGFR2-related condition. Last evaluated: 2024-02-22. Review status: no assertion criteria provided. Collection method: clinical testing. Allele origin: germline.
Comment: The FGFR2 c.1949A>G variant is predicted to result in the amino acid substitution p.Asp650Gly. To our knowledge, this variant has not been reported in the literature. This variant is reported in 0.0026% of alleles in individuals of European (Non-Finnish) descent in gnomAD. At this time, the clinical significance of this variant is uncertain due to the absence of conclusive functional and genetic evidence.

NM_000141.5(FGFR2):c.1949A>G (p.Asp650Gly)

Gene: FGFR2 (fibroblast growth factor receptor 2; minus strand). Cytogenetic location: 10q26.13.
Variant type: single nucleotide variant.
Coding change: c.1949A>G on transcript NM_000141.5 (MANE Select); coding-DNA position 1949, A replaced by G.
Protein change: p.Asp650Gly; replaces aspartic acid 650 with glycine.
Molecular consequence: missense variant. On other transcripts: non-coding transcript variant (1).
Genome position (GRCh38, 1-based): chr10:121,488,028, T>C on the plus strand (A>G on the coding strand, the complement: FGFR2 is on the minus strand). VCF-style: chr10-121488028-T-C. GRCh37 (hg19) VCF-style: chr10-123247542-T-C.
Other names: c.1952A>G, p.Asp651Gly (NM_001144913.1, NM_022970.4); c.1613A>G, p.Asp538Gly (NM_001144914.1); c.1682A>G, p.Asp561Gly (NM_001144915.2, NM_023029.3); c.1604A>G, p.Asp535Gly (NM_001144916.2); c.1601A>G, p.Asp534Gly (NM_001144917.2); c.1598A>G, p.Asp533Gly (NM_001144918.2); c.1685A>G, p.Asp562Gly (NM_001144919.2); c.1265A>G, p.Asp422Gly (NM_001320654.2); and 1 more; short protein forms D422G, D533G, D534G, D535G, D538G, D561G, D562G, D648G.
Identifiers: ClinVar variation 3054855 (VCV003054855.2), dbSNP rs758829154, ClinGen allele CA5720606.